The following is an entry in ClinVar:

ClinVar aggregate classification (germline): Benign (1 of 4 stars; one submission).

Allele frequency attached by ClinVar (database versions not stated): 1000 Genomes Project 30x 0.01421; 1000 Genomes Project 0.01458; TOPMed 0.02233; gnomAD 0.02796 and 0.02870.
gnomAD v4.1: 4,258 of 152,260 alleles (2.8%); highest among the groups gnomAD compares: Non-Finnish European, 3.8%; 100 homozygotes.

Submission:

GeneDx
Classification: Benign. Last evaluated: 2018-06-14. Review status: criteria provided, single submitter. Criteria: GeneDx Variant Classification (06012015). Collection method: clinical testing. Allele origin: germline. Affected: yes.
Comment: This variant is considered likely benign or benign based on one or more of the following criteria: it is a conservative change, it occurs at a poorly conserved position in the protein, it is predicted to be benign by multiple in silico algorithms, and/or has population frequency not consistent with disease.

NM_001258392.3(CLPB):c.1067-174G>A

Gene: CLPB (ClpB family mitochondrial disaggregase; minus strand). Cytogenetic location: 11q13.4.
Variant type: single nucleotide variant.
Coding change: c.1067-174G>A on transcript NM_001258392.3 (MANE Select); 174 bases into the intron before coding-DNA position 1067, G replaced by A.
Molecular consequence: intron variant.
Genome position (GRCh38, 1-based): chr11:72,307,428, C>T on the plus strand (G>A on the coding strand, the complement: CLPB is on the minus strand). VCF-style: chr11-72307428-C-T. GRCh37 (hg19) VCF-style: chr11-72018472-C-T.
Other names: c.980-174G>A (NM_001258393.3); c.1157-174G>A (NM_030813.6); c.1022-174G>A (NM_001258394.3).
Identifiers: ClinVar variation 672511 (VCV000672511.1), dbSNP rs118089225, ClinGen allele CA224391056.
Genomic context (GRCh38, chr11:72,307,428, plus strand): 5'-GTTGAGGCGCAGAAAGGATCAGCGACTCTCCCACAGTCACCTAGGGAGTTAATGGTGAAG[C>T]TGGGACCAAAATCAAAGTCTGCACCTGCATCTTAATTTTTCTGGGATTGGGATTGAGGCC-3'